The following is an entry in ClinVar:

NM_001005242.3(PKP2):c.1379-1997G>T

Gene: PKP2 (plakophilin 2; minus strand). Cytogenetic location: 12p11.21.
Variant type: single nucleotide variant.
Coding change: c.1379-1997G>T on transcript NM_001005242.3 (MANE Select); 1997 bases into the intron before coding-DNA position 1379, G replaced by T.
Molecular consequence: intron variant. On other transcripts: missense variant (1).
Genome position (GRCh38, 1-based): chr12:32,843,202, C>A on the plus strand (G>T on the coding strand, the complement: PKP2 is on the minus strand). VCF-style: chr12-32843202-C-A. GRCh37 (hg19) VCF-style: chr12-32996136-C-A.
Other names: c.1490G>T, p.Arg497Leu (NM_004572.4); short protein forms R497L.
Identifiers: ClinVar variation 1172471 (VCV001172471.3), dbSNP rs781072699, ClinGen allele CA384368590.

ClinVar aggregate classification (germline): Uncertain significance (1 of 4 stars; one submission).

Conditions:
Cardiomyopathy (CMYO). Also called: Cardiomyopathies. Identifiers: Orphanet 167848, MedGen C0878544, MONDO:0004994, HP:0001638. Inheritance: Various modes of inheritance.

Submission:

Color Diagnostics, LLC DBA Color Health
Classification: Uncertain significance for Cardiomyopathy. Last evaluated: 2024-03-06. Review status: criteria provided, single submitter. Criteria: ACMG Guidelines, 2015. Collection method: clinical testing. Allele origin: germline.
Comment: This missense variant replaces arginine with leucine at codon 497 of the PKP2 protein. Computational prediction suggests that this variant may not impact protein structure and function (internally defined REVEL score threshold <= 0.5, PMID: 27666373). To our knowledge, functional studies have not been reported for this variant. This variant has not been reported in individuals affected with cardiovascular disorders in the literature. This variant has not been identified in the general population by the Genome Aggregation Database (gnomAD). The available evidence is insufficient to determine the role of this variant in disease conclusively. Therefore, this variant is classified as a Variant of Uncertain Significance.